The following is an entry in ClinVar:

NM_001267550.2(TTN):c.43750G>T (p.Gly14584Ter)

Gene: TTN (titin; minus strand). Cytogenetic location: 2q31.2.
Variant type: single nucleotide variant.
Coding change: c.43750G>T on transcript NM_001267550.2 (MANE Select); coding-DNA position 43750, G replaced by T.
Protein change: p.Gly14584Ter; replaces glycine 14584 with a stop codon.
Molecular consequence: nonsense.
Genome position (GRCh38, 1-based): chr2:178,631,298, C>A on the plus strand (G>T on the coding strand, the complement: TTN is on the minus strand). VCF-style: chr2-178631298-C-A. GRCh37 (hg19) VCF-style: chr2-179496025-C-A.
Other names: c.38827G>T, p.Gly12943Ter (NM_001256850.1); c.16555G>T, p.Gly5519Ter (NM_003319.4); c.36046G>T, p.Gly12016Ter (NM_133378.4); c.16930G>T, p.Gly5644Ter (NM_133432.3); c.17131G>T, p.Gly5711Ter (NM_133437.4); short protein forms G12016*, G12943*, G14584*, G5519*, G5644*, G5711*.
Identifiers: ClinVar variation 1062000 (VCV001062000.9), dbSNP rs2154220286, ClinGen allele CA349647549.

ClinVar aggregate classification (germline): Likely pathogenic (1 of 4 stars; one submission).

Conditions:
Autosomal recessive limb-girdle muscular dystrophy type 2J (LGMDR10). Also called: MUSCULAR DYSTROPHY, LIMB-GIRDLE, AUTOSOMAL RECESSIVE 10; Limb-girdle muscular dystrophy, type 2J. Identifiers: Orphanet 140922, MedGen C1837342, MONDO:0012127, OMIM 608807.
Dilated cardiomyopathy 1G (CMD1G). Identifiers: Orphanet 154, MedGen C1858763, MONDO:0011400, OMIM 604145.

gnomAD v4.1: 1 of 1,604,040 alleles (0.000062%); highest among the groups gnomAD compares: Non-Finnish European, 0.000085%; no homozygotes.

Submission:

Labcorp Genetics (formerly Invitae), Labcorp
Classification: Likely pathogenic for Dilated cardiomyopathy 1G; Autosomal recessive limb-girdle muscular dystrophy type 2J. Last evaluated: 2025-04-17. Review status: criteria provided, single submitter. Criteria: Invitae Variant Classification Sherloc (09022015). Collection method: clinical testing. Allele origin: germline.
Comment: This sequence change creates a premature translational stop signal (p.Gly14584*) in the TTN gene. While this is not anticipated to result in nonsense mediated decay, it is expected to create a truncated TTN protein. This variant is not present in population databases (gnomAD no frequency). This variant has not been observed in the literature in individuals with autosomal recessive TTN-related conditions. This variant has been reported in individual(s) with autosomal dominant cardiomyopathy (internal data); however, the role of the variant in this condition is currently unclear. ClinVar contains an entry for this variant (Variation ID: 1062000). This variant is located in the I band of TTN (PMID: 25589632). Truncating variants in this region have been reported in individuals affected with autosomal recessive centronuclear myopathy (PMID: 23975875, internal data). Truncating variants in this region have also been identified in individuals affected with autosomal dominant dilated cardiomyopathy and/or cardio-related conditions (PMID: 27869827, 32964742, internal data). In summary, the currently available evidence indicates that the variant is pathogenic, but additional data are needed to prove that conclusively. Therefore, this variant has been classified as Likely Pathogenic.

Literature cited by the submitters: PubMed 25589632; PubMed 23975875; PubMed 27869827; PubMed 32964742.